The following is an entry in ClinVar:

ClinVar aggregate classification (germline): Likely benign. Review status: criteria provided, multiple submitters, no conflicts (2 of 4 stars). 3 submissions from 3 submitters: Likely benign (2). 1 of the submissions does not count toward it. Last evaluated 2025-04-30.

Conditions:
CPE-related disorder. Also called: CPE-related condition.

Allele frequency attached by ClinVar (database versions not stated): gnomAD exomes 0.00001; TOPMed 0.00004; gnomAD 0.00005; ExAC 0.00009; 1000 Genomes Project 0.00020; 1000 Genomes Project 30x 0.00031.
gnomAD v4.1: 23 of 1,612,432 alleles (0.0014%); highest among the groups gnomAD compares: East Asian, 0.042%; no homozygotes.

Submissions (3):

Labcorp Genetics (formerly Invitae), Labcorp
Classification: Likely benign. Last evaluated: 2025-04-30. Review status: criteria provided, single submitter. Criteria: Invitae Variant Classification Sherloc (09022015). Collection method: clinical testing. Allele origin: germline.

Blueprint Genetics
Classification: Likely benign. Last evaluated: 2022-02-11. Review status: criteria provided, single submitter. Criteria: ACMG Guidelines, 2015. Collection method: clinical testing. Allele origin: germline.

PreventionGenetics, part of Exact Sciences
Classification: Likely benign for CPE-related condition. Last evaluated: 2022-08-05. Review status: no assertion criteria provided. Collection method: clinical testing. Allele origin: germline. Not counted in ClinVar's aggregate classification.
Comment: This variant is classified as likely benign based on ACMG/AMP sequence variant interpretation guidelines (Richards et al. 2015 PMID: 25741868, with internal and published modifications).

NM_001873.4(CPE):c.771A>G (p.Pro257=)

Gene: CPE (carboxypeptidase E; plus strand). Cytogenetic location: 4q32.3.
Variant type: single nucleotide variant.
Coding change: c.771A>G on transcript NM_001873.4 (MANE Select); coding-DNA position 771, A replaced by G.
Protein change: p.Pro257=; no amino-acid change (proline 257 retained).
Molecular consequence: synonymous variant.
Genome position (GRCh38, 1-based): chr4:165,482,340, A>G. VCF-style: chr4-165482340-A-G. GRCh37 (hg19) VCF-style: chr4-166403492-A-G.
Other names: c.771A>G (NM_001873.3).
Identifiers: ClinVar variation 2912410 (VCV002912410.6), dbSNP rs199819898, ClinGen allele CA3130269.
Genomic context (GRCh38, chr4:165,482,340, plus strand): 5'-GGATATTCCTTTTGTGCTTTCTGCCAATCTCCATGGAGGAGACCTTGTGGCCAATTATCC[A>G]TATGATGAGACGCGGAGTGGTAGGTATTCTTTCTGCTTCTCTTATTGGTTCAAAGTTTAT-3'
Protein context (NP_001864.1, residues 247-267): LHGGDLVANY[Pro257=]YDETRSGSAH